The following is an entry in ClinVar:

ClinVar aggregate classification (germline): Uncertain significance. Review status: criteria provided, single submitter (1 of 4 stars). 2 submissions from 2 submitters: Uncertain significance (1). 1 of the submissions does not count toward it. Last evaluated 2019-07-09.

Conditions:
Autosomal recessive polycystic kidney disease (ARPKD). Also called: AR polycystic kidney disease. Identifiers: Orphanet 731, Orphanet 8378, MedGen C0085548, MeSH D017044, MONDO:0009889.

gnomAD v4.1: 4 of 1,611,952 alleles (0.00025%); highest among the groups gnomAD compares: East Asian, 0.0045%; no homozygotes.

Submissions (2):

GeneDx
Classification: Uncertain significance. Last evaluated: 2019-07-09. Review status: criteria provided, single submitter. Criteria: GeneDx Variant Classification Process June 2021. Collection method: clinical testing. Allele origin: germline. Affected: yes.
Comment: Not observed at a significant frequency in large population cohorts (Lek et al., 2016); In silico analysis, which includes protein predictors and evolutionary conservation, supports a deleterious effect; Has not been previously published as pathogenic or benign to our knowledge

Natera, Inc.
Classification: Uncertain significance for Autosomal recessive polycystic kidney disease. Last evaluated: 2020-06-06. Review status: no assertion criteria provided. Collection method: clinical testing. Allele origin: germline. Not counted in ClinVar's aggregate classification.

NM_138694.4(PKHD1):c.7472G>A (p.Cys2491Tyr)

Gene: PKHD1 (PKHD1 ciliary IPT domain containing fibrocystin/polyductin; minus strand). Cytogenetic location: 6p12.2.
Variant type: single nucleotide variant.
Coding change: c.7472G>A on transcript NM_138694.4 (MANE Select); coding-DNA position 7472, G replaced by A.
Protein change: p.Cys2491Tyr; replaces cysteine 2491 with tyrosine.
Molecular consequence: missense variant.
Genome position (GRCh38, 1-based): chr6:51,870,518, C>T on the plus strand (G>A on the coding strand, the complement: PKHD1 is on the minus strand). VCF-style: chr6-51870518-C-T. GRCh37 (hg19) VCF-style: chr6-51735316-C-T.
Other names: c.7472G>A, p.Cys2491Tyr (NM_170724.3); short protein forms C2491Y.
Identifiers: ClinVar variation 1197750 (VCV001197750.3), dbSNP rs774331743, ClinGen allele CA364419360.